The following is an entry in ClinVar:

ClinVar aggregate classification (germline): Likely benign. Review status: reviewed by expert panel (3 of 4 stars). 2 submissions from 2 submitters: Likely benign (1). 1 of the submissions does not count toward it. Last evaluated 2025-01-15.

Conditions:
Hereditary thrombocytopenia and hematological cancer predisposition syndrome associated with RUNX1. Also called: Familial Platelet Disorder with Propensity to Acute Myelogenous Leukemia; Familial thrombocytopenia with propensity to acute myelogenous leukemia; PLATELET DISORDER, ASPIRIN-LIKE; RUNX1 Familial Platelet Disorder with Associated Myeloid Malignancies. Identifiers: Orphanet 71290, MedGen C1832388, MeSH C563324, MONDO:0100083, OMIM 601399.
Hereditary thrombocytopenia and hematologic cancer predisposition syndrome. Identifiers: Orphanet 71290, MedGen CN281654, MONDO:0011071.

gnomAD v4.1: 1 of 1,609,306 alleles (0.000062%); no homozygotes.

Submissions (2):

ClinGen Myeloid Malignancy Variant Curation Expert Panel
Classification: Likely benign for Hereditary thrombocytopenia and hematologic cancer predisposition syndrome. Last evaluated: 2025-01-15. Review status: reviewed by expert panel. Criteria: ClinGen MyeloMalig ACMG Specifications v2. Collection method: curation. Allele origin: germline. Inheritance: Autosomal dominant inheritance.
Comment: NM_001754.5(RUNX1):c.58+10T>C is an intronic variant which has a SpliceAI score ≤ 0.20 (0.01) (BP4). This variant has a SpliceAI score ≤ 0.20 (0.01) and evolutionary conservation prediction algorithms predict the site as not being conserved (PhyloP score ≤ 2.0 (-0.20) (BP7). This variant is completely absent from all population databases with at least 20x coverage for RUNX1 (PM2_Supporting). In summary, this variant meets criteria to be classified as likely benign. ACMG/AMP criteria applied, as specified by the Myeloid Malignancy Variant Curation Expert Panel for RUNX1: BP4, BP7, PM2_supporting.

Labcorp Genetics (formerly Invitae), Labcorp
Classification: Likely benign for Hereditary thrombocytopenia and hematological cancer predisposition syndrome associated with RUNX1. Last evaluated: 2023-10-20. Review status: criteria provided, single submitter. Criteria: Invitae Variant Classification Sherloc (09022015). Collection method: clinical testing. Allele origin: germline. Not counted in ClinVar's aggregate classification.

NM_001754.5(RUNX1):c.58+10T>C

Gene: RUNX1 (RUNX family transcription factor 1; minus strand). Cytogenetic location: 21q22.12.
Variant type: single nucleotide variant.
Coding change: c.58+10T>C on transcript NM_001754.5 (MANE Select); 10 bases into the intron after coding-DNA position 58, T replaced by C.
Molecular consequence: intron variant.
Genome position (GRCh38, 1-based): chr21:35,048,832, A>G on the plus strand (T>C on the coding strand, the complement: RUNX1 is on the minus strand). VCF-style: chr21-35048832-A-G. GRCh37 (hg19) VCF-style: chr21-36421129-A-G.
Identifiers: ClinVar variation 2892904 (VCV002892904.4), dbSNP rs773170644, ClinGen allele CA637749751.